The following is an entry in ClinVar:

NM_000135.4(FANCA):c.1358A>G (p.Lys453Arg)

Gene: FANCA (FA complementation group A; minus strand). Cytogenetic location: 16q24.3.
Variant type: single nucleotide variant.
Coding change: c.1358A>G on transcript NM_000135.4 (MANE Select); coding-DNA position 1358, A replaced by G.
Protein change: p.Lys453Arg; replaces lysine 453 with arginine.
Molecular consequence: missense variant.
Genome position (GRCh38, 1-based): chr16:89,791,404, T>C on the plus strand (A>G on the coding strand, the complement: FANCA is on the minus strand). VCF-style: chr16-89791404-T-C. GRCh37 (hg19) VCF-style: chr16-89857812-T-C.
Other names: c.1358A>G, p.Lys453Arg (NM_001286167.3); short protein forms K453R.
Identifiers: ClinVar variation 1523406 (VCV001523406.3), dbSNP rs139248966, ClinGen allele CA8252396.
Genomic context (GRCh38, chr16:89,791,404, plus strand): 5'-CCACTCCCAGGCCTTCTGGGAAGATCAGGTATTAGGTAGCCGATTGGCAGGTCACTTACC[T>C]TGAACCAGTCTGCATATGACAGGAACGCAGAGGGGCCCTCCAGTGCTGCCTGGCGCACAA-3'
Protein context (NP_000126.2, residues 443-463): SAFLSYADWF[Lys453Arg]ASFGSTRGYH

ClinVar aggregate classification (germline): Uncertain significance (1 of 4 stars; one submission).

Conditions:
Fanconi anemia (FA). Also called: Fanconi's anemia. Identifiers: Orphanet 84, MedGen C0015625, MeSH D005199, MONDO:0019391.

Allele frequency attached by ClinVar (database versions not stated): ESP Exome Variant Server 0.00008; ExAC 0.00001; gnomAD exomes below 0.00001.

Submission:

Labcorp Genetics (formerly Invitae), Labcorp
Classification: Uncertain significance for Fanconi anemia. Last evaluated: 2021-07-28. Review status: criteria provided, single submitter. Criteria: Invitae Variant Classification Sherloc (09022015). Collection method: clinical testing. Allele origin: germline.
Comment: This sequence change replaces lysine with arginine at codon 453 of the FANCA protein (p.Lys453Arg). The lysine residue is highly conserved and there is a small physicochemical difference between lysine and arginine. This variant is present in population databases (rs139248966, ExAC 0.002%). This variant has not been reported in the literature in individuals affected with FANCA-related conditions. Algorithms developed to predict the effect of missense changes on protein structure and function (SIFT, PolyPhen-2, Align-GVGD) all suggest that this variant is likely to be tolerated. In summary, the available evidence is currently insufficient to determine the role of this variant in disease. Therefore, it has been classified as a Variant of Uncertain Significance.